The following is an entry in ClinVar:

ClinVar aggregate classification (germline): Pathogenic (3 of 4 stars; one submission).

Conditions:
Breast-ovarian cancer, familial, susceptibility to, 1 (BROVCA1). Also called: BRCA1 Hereditary Breast and Ovarian Cancer; OVARIAN CANCER, SUSCEPTIBILITY TO. Identifiers: Orphanet 145, MedGen C2676676, MONDO:0011450, OMIM 604370. Disease mechanism: loss of function.

Submission:

Evidence-based Network for the Interpretation of Germline Mutant Alleles (ENIGMA)
Classification: Pathogenic for Breast-ovarian cancer, familial, susceptibility to, 1. Last evaluated: 2017-12-15. Review status: reviewed by expert panel. Criteria: ENIGMA BRCA1/2 Classification Criteria (2017-06-29). Collection method: curation. Allele origin: germline. Study: ENIGMA.
Comment: Variant allele predicted to encode a truncated non-functional protein.

NM_007294.4(BRCA1):c.4168_4169dup (p.Asp1390fs)

Gene: BRCA1 (BRCA1 DNA repair associated; minus strand). Cytogenetic location: 17q21.31.
Variant type: Duplication.
Coding change: c.4168_4169dup on transcript NM_007294.4 (MANE Select); coding-DNA positions 4168 to 4169, 2 bases duplicated (GA; older notation c.4168_4169dupGA).
Protein change: p.Asp1390fs; shifts the reading frame from aspartic acid 1390.
Molecular consequence: frameshift variant. On other transcripts: non-coding transcript variant (1).
Genome position (GRCh38, 1-based): chr17:43,090,960-43,090,961, TC duplicated on the plus strand (GA on the coding strand, the reverse complement: BRCA1 is on the minus strand). VCF-style (leftmost placement, unchanged base first): chr17-43090959-G-GTC. GRCh37 (hg19) VCF-style: chr17-41242976-G-GTC.
Other names: c.4168_4169dupGA (NM_007294.3); c.3955_3956dup, p.Asp1319Glufs (NM_001407916.1, NM_001407917.1, NM_001407918.1 and 9 more transcripts); c.4045_4046dup, p.Asp1349Glufs (NM_001407919.1, NM_001407937.1, NM_001407938.1 and 19 more transcripts); c.3904_3905dup, p.Asp1302Glufs (NM_001407920.1, NM_001407921.1, NM_001407922.1 and 9 more transcripts); c.3901_3902dup, p.Asp1301Glufs (NM_001407930.1, NM_001407931.1, NM_001407932.1 and 2 more transcripts); c.4042_4043dup, p.Asp1348Glufs (NM_001407940.1, NM_001407941.1, NM_001407649.1 and 11 more transcripts); c.4027_4028dup, p.Asp1343Glufs (NM_001407942.1, NM_001407944.1, NM_001407945.1 and 28 more transcripts); c.4024_4025dup, p.Asp1342Glufs (NM_001407943.1, NM_001407964.1, NM_001407740.1 and 20 more transcripts); and 45 more; short protein forms D1343fs, D287fs, D1390fs.
Identifiers: ClinVar variation 548209 (VCV000548209.2), dbSNP rs1555586100, ClinGen allele CA658825025.